The following is an entry in ClinVar:

NM_014855.3(AP5Z1):c.366+4G>A

Gene: AP5Z1 (adaptor related protein complex 5 subunit zeta 1; plus strand). Cytogenetic location: 7p22.1.
Variant type: single nucleotide variant.
Coding change: c.366+4G>A on transcript NM_014855.3 (MANE Select); 4 bases into the intron after coding-DNA position 366, G replaced by A.
Molecular consequence: intron variant.
Genome position (GRCh38, 1-based): chr7:4,781,758, G>A. VCF-style: chr7-4781758-G-A. GRCh37 (hg19) VCF-style: chr7-4821389-G-A.
Other names: c.-103+446G>A (NM_001364858.1).
Identifiers: ClinVar variation 939518 (VCV000939518.7), dbSNP rs776790989, ClinGen allele CA4137155.

ClinVar aggregate classification (germline): Uncertain significance (1 of 4 stars; one submission).

Conditions:
Hereditary spastic paraplegia 48. Also called: Spastic paraplegia 48; SPASTIC PARAPLEGIA 48, AUTOSOMAL RECESSIVE. Identifiers: Orphanet 306511, MedGen C3150901, MONDO:0013342, OMIM 613647.

Allele frequency attached by ClinVar (database versions not stated): ExAC 0.00003; gnomAD exomes 0.00005; gnomAD 0.00008 and 0.00009; TOPMed 0.00008.
gnomAD v4.1: 85 of 1,550,210 alleles (0.0055%); highest among the groups gnomAD compares: Non-Finnish European, 0.007%; no homozygotes.

Submission:

Labcorp Genetics (formerly Invitae), Labcorp
Classification: Uncertain significance for Hereditary spastic paraplegia 48. Last evaluated: 2022-03-28. Review status: criteria provided, single submitter. Criteria: Invitae Variant Classification Sherloc (09022015). Collection method: clinical testing. Allele origin: germline.
Comment: This sequence change falls in intron 3 of the AP5Z1 gene. It does not directly change the encoded amino acid sequence of the AP5Z1 protein. It affects a nucleotide within the consensus splice site. This variant is present in population databases (rs776790989, gnomAD 0.01%). This variant has not been reported in the literature in individuals affected with AP5Z1-related conditions. ClinVar contains an entry for this variant (Variation ID: 939518). Variants that disrupt the consensus splice site are a relatively common cause of aberrant splicing (PMID: 17576681, 9536098). Algorithms developed to predict the effect of sequence changes on RNA splicing suggest that this variant is not likely to affect RNA splicing. In summary, the available evidence is currently insufficient to determine the role of this variant in disease. Therefore, it has been classified as a Variant of Uncertain Significance.

Literature cited by the submitters: PubMed 17576681; PubMed 9536098.